The following is an entry in ClinVar:

ClinVar aggregate classification (germline): Uncertain significance (1 of 4 stars; one submission).

Allele frequency attached by ClinVar (database versions not stated): gnomAD 0.00001; gnomAD exomes 0.00001 and 0.00002; TOPMed 0.00001.
gnomAD v4.1: 13 of 1,614,018 alleles (0.00081%); highest among the groups gnomAD compares: African/African-American, 0.0013%; no homozygotes.

Submission:

Labcorp Genetics (formerly Invitae), Labcorp
Classification: Uncertain significance. Last evaluated: 2022-10-08. Review status: criteria provided, single submitter. Criteria: Invitae Variant Classification Sherloc (09022015). Collection method: clinical testing. Allele origin: germline.
Comment: In summary, the available evidence is currently insufficient to determine the role of this variant in disease. Therefore, it has been classified as a Variant of Uncertain Significance. Algorithms developed to predict the effect of missense changes on protein structure and function are either unavailable or do not agree on the potential impact of this missense change (SIFT: "Deleterious"; PolyPhen-2: "Probably Damaging"; Align-GVGD: "Class C0"). ClinVar contains an entry for this variant (Variation ID: 1413927). This variant has not been reported in the literature in individuals affected with ERBIN-related conditions. This variant is not present in population databases (gnomAD no frequency). This sequence change replaces serine, which is neutral and polar, with phenylalanine, which is neutral and non-polar, at codon 1081 of the ERBIN protein (p.Ser1081Phe).

NM_001253697.2(ERBIN):c.3242C>T (p.Ser1081Phe)

Gene: ERBIN (erbb2 interacting protein; plus strand). Cytogenetic location: 5q12.3.
Variant type: single nucleotide variant.
Coding change: c.3242C>T on transcript NM_001253697.2 (MANE Select); coding-DNA position 3242, C replaced by T.
Protein change: p.Ser1081Phe; replaces serine 1081 with phenylalanine.
Molecular consequence: missense variant.
Genome position (GRCh38, 1-based): chr5:66,054,560, C>T. VCF-style: chr5-66054560-C-T. GRCh37 (hg19) VCF-style: chr5-65350388-C-T.
Other names: c.3242C>T, p.Ser1081Phe (NM_001006600.3, NM_001253698.2, NM_001253699.2 and 1 more transcripts); c.3230C>T, p.Ser1077Phe (NM_001253701.2); short protein forms S1081F, S1077F.
Identifiers: ClinVar variation 1413927 (VCV001413927.6), dbSNP rs1206989401, ClinGen allele CA359869340.